The following is an entry in ClinVar:

NM_199242.3(UNC13D):c.1985T>C (p.Phe662Ser)

Gene: UNC13D (unc-13 homolog D; minus strand). Cytogenetic location: 17q25.1.
Variant type: single nucleotide variant.
Coding change: c.1985T>C on transcript NM_199242.3 (MANE Select); coding-DNA position 1985, T replaced by C.
Protein change: p.Phe662Ser; replaces phenylalanine 662 with serine.
Molecular consequence: missense variant.
Genome position (GRCh38, 1-based): chr17:75,834,927, A>G on the plus strand (T>C on the coding strand, the complement: UNC13D is on the minus strand). VCF-style: chr17-75834927-A-G. GRCh37 (hg19) VCF-style: chr17-73831008-A-G.
Other names: c.1985T>C (NM_199242.2); short protein forms F662S.
Identifiers: ClinVar variation 1383334 (VCV001383334.6), dbSNP rs2064896757, ClinGen allele CA401090832.

ClinVar aggregate classification (germline): Uncertain significance. Review status: criteria provided, multiple submitters, no conflicts (2 of 4 stars). 2 submissions from 2 submitters: Uncertain significance (2). Last evaluated 2024-05-08.

Conditions:
Familial hemophagocytic lymphohistiocytosis 3 (FHL3). Also called: UNC13D-Related Familial Hemophagocytic Lymphohistiocytosis (UNC13D-fHLH). Identifiers: Orphanet 540, MedGen C1837174, MONDO:0012146, OMIM 608898.
Inborn genetic diseases. Identifiers: MedGen C0950123, MeSH D030342.

Allele frequency attached by ClinVar (database versions not stated): TOPMed 0.00001.

Submissions (2):

Ambry Genetics
Classification: Uncertain significance for Inborn genetic diseases. Last evaluated: 2024-05-08. Review status: criteria provided, single submitter. Criteria: Ambry Variant Classification Scheme 2023. Collection method: clinical testing. Allele origin: germline.

Labcorp Genetics (formerly Invitae), Labcorp
Classification: Uncertain significance for Familial hemophagocytic lymphohistiocytosis 3. Last evaluated: 2022-08-19. Review status: criteria provided, single submitter. Criteria: Invitae Variant Classification Sherloc (09022015). Collection method: clinical testing. Allele origin: germline.
Comment: This sequence change replaces phenylalanine with serine at codon 662 of the UNC13D protein (p.Phe662Ser). The phenylalanine residue is weakly conserved and there is a large physicochemical difference between phenylalanine and serine. This variant is not present in population databases (gnomAD no frequency). This variant has not been reported in the literature in individuals affected with UNC13D-related conditions. ClinVar contains an entry for this variant (Variation ID: 1383334). Algorithms developed to predict the effect of missense changes on protein structure and function are either unavailable or do not agree on the potential impact of this missense change (SIFT: "Not Available"; PolyPhen-2: "Possibly Damaging"; Align-GVGD: "Not Available"). In summary, the available evidence is currently insufficient to determine the role of this variant in disease. Therefore, it has been classified as a Variant of Uncertain Significance.